The following is an entry in ClinVar:

ClinVar aggregate classification (germline): Pathogenic (1 of 4 stars; one submission).

Conditions:
Hereditary spastic paraplegia 39 (SPG39). Also called: Spastic Paraplegia Type 39 (SPG39); SPASTIC PARAPLEGIA 39, AUTOSOMAL RECESSIVE. Identifiers: Orphanet 139480, MedGen C2677586, MONDO:0012787, OMIM 612020.

Submission:

Labcorp Genetics (formerly Invitae), Labcorp
Classification: Pathogenic for Hereditary spastic paraplegia 39. Last evaluated: 2022-03-10. Review status: criteria provided, single submitter. Criteria: Invitae Variant Classification Sherloc (09022015). Collection method: clinical testing. Allele origin: germline.
Comment: This variant is not present in population databases (gnomAD no frequency). This sequence change creates a premature translational stop signal (p.Cys943Leufs*77) in the PNPLA6 gene. It is expected to result in an absent or disrupted protein product. Loss-of-function variants in PNPLA6 are known to be pathogenic (PMID: 24355708). This variant has not been reported in the literature in individuals affected with PNPLA6-related conditions. Algorithms developed to predict the effect of sequence changes on RNA splicing suggest that this variant may disrupt the consensus splice site. For these reasons, this variant has been classified as Pathogenic.

Literature cited by the submitters: PubMed 24355708.

NC_000019.10:g.7555609dup

Gene: PNPLA6 (patatin like domain 6, lysophospholipase; plus strand). Cytogenetic location: 19p13.2.
Variant type: Duplication.
Genome position: GRCh38 VCF-style: chr19-7555605-A-AG. GRCh37 (hg19) VCF-style: chr19-7620491-A-AG.
Identifiers: ClinVar variation 1440677 (VCV001440677.6), dbSNP rs2146105309, ClinGen allele CA2573155904.